The following is an entry in ClinVar:

NM_002439.5(MSH3):c.380C>T (p.Thr127Ile)

Gene: MSH3 (mutS homolog 3; plus strand). Cytogenetic location: 5q14.1.
Variant type: single nucleotide variant.
Coding change: c.380C>T on transcript NM_002439.5 (MANE Select); coding-DNA position 380, C replaced by T.
Protein change: p.Thr127Ile; replaces threonine 127 with isoleucine.
Molecular consequence: missense variant.
Genome position (GRCh38, 1-based): chr5:80,665,164, C>T. VCF-style: chr5-80665164-C-T. GRCh37 (hg19) VCF-style: chr5-79960983-C-T.
Other names: c.380C>T (NM_002439.3); short protein forms T127I.
Identifiers: ClinVar variation 2179518 (VCV002179518.5), dbSNP rs757177212, ClinGen allele CA3327595.

ClinVar aggregate classification (germline): Uncertain significance. Review status: criteria provided, multiple submitters, no conflicts (2 of 4 stars). 2 submissions from 2 submitters: Uncertain significance (2). Last evaluated 2025-07-24.

Conditions:
Hereditary cancer-predisposing syndrome. Also called: Hereditary Cancer Syndrome; Neoplastic Syndromes, Hereditary; Tumor predisposition; Hereditary neoplastic syndrome. Identifiers: Orphanet 140162, MedGen C0027672, MeSH D009386, MONDO:0015356.

Allele frequency attached by ClinVar (database versions not stated): gnomAD exomes below 0.00001; ExAC 0.00002.
gnomAD v4.1: 5 of 1,613,926 alleles (0.00031%); highest among the groups gnomAD compares: South Asian, 0.0033%; no homozygotes.

Submissions (2):

Ambry Genetics
Classification: Uncertain significance for Hereditary cancer-predisposing syndrome. Last evaluated: 2025-07-24. Review status: criteria provided, single submitter. Criteria: Ambry Variant Classification Scheme 2023. Collection method: clinical testing. Allele origin: germline.
Comment: The p.T127I variant (also known as c.380C>T), located in coding exon 3 of the MSH3 gene, results from a C to T substitution at nucleotide position 380. The threonine at codon 127 is replaced by isoleucine, an amino acid with similar properties. This amino acid position is conserved. In addition, this alteration is predicted to be tolerated by in silico analysis. Based on the available evidence, the clinical significance of this variant remains unclear.

Labcorp Genetics (formerly Invitae), Labcorp
Classification: Uncertain significance. Last evaluated: 2025-05-22. Review status: criteria provided, single submitter. Criteria: Invitae Variant Classification Sherloc (09022015). Collection method: clinical testing. Allele origin: germline.
Comment: This sequence change replaces threonine, which is neutral and polar, with isoleucine, which is neutral and non-polar, at codon 127 of the MSH3 protein (p.Thr127Ile). This variant is present in population databases (rs757177212, gnomAD 0.007%). This variant has not been reported in the literature in individuals affected with MSH3-related conditions. ClinVar contains an entry for this variant (Variation ID: 2179518). An algorithm developed to predict the effect of missense changes on protein structure and function (PolyPhen-2) suggests that this variant is likely to be tolerated. In summary, the available evidence is currently insufficient to determine the role of this variant in disease. Therefore, it has been classified as a Variant of Uncertain Significance.